The following is an entry in ClinVar:

ClinVar aggregate classification (germline): Benign. Review status: criteria provided, multiple submitters, no conflicts (2 of 4 stars). 11 submissions from 11 submitters: Benign (7). 4 of the submissions do not count toward it. Last evaluated 2026-02-04.

Conditions:
Microcephaly 3, primary, autosomal recessive. Identifiers: Orphanet 2512, MedGen C1858108, MONDO:0011488, OMIM 604804.

Allele frequency attached by ClinVar (database versions not stated): gnomAD 0.70962 and 0.71674; TOPMed 0.71501; 1000 Genomes Project 30x 0.74859; 1000 Genomes Project 0.75319; ExAC 0.76910; gnomAD exomes 0.77713; ESP Exome Variant Server 0.69560.
gnomAD v4.1: 1,218,991 of 1,613,638 alleles (76%); highest among the groups gnomAD compares: Admixed American, 86%; 462,876 homozygotes.

Submissions (11):

Labcorp Genetics (formerly Invitae), Labcorp
Classification: Benign. Last evaluated: 2026-02-04. Review status: criteria provided, single submitter. Criteria: Invitae Variant Classification Sherloc (09022015). Collection method: clinical testing. Allele origin: germline.

Blueprint Genetics
Classification: Benign. Last evaluated: 2024-11-27. Review status: criteria provided, single submitter. Criteria: ACMG Guidelines, 2015. Collection method: clinical testing. Allele origin: germline.

Genome-Nilou Lab
Classification: Benign for Microcephaly 3, primary, autosomal recessive. Last evaluated: 2021-07-14. Review status: criteria provided, single submitter. Criteria: ACMG Guidelines, 2015. Collection method: clinical testing. Allele origin: germline. Affected: no.

Clinical Genetics DNA and cytogenetics Diagnostics Lab, Erasmus MC, Erasmus Medical Center
Classification: Benign for Microcephaly 3, primary, autosomal recessive. Last evaluated: 2017-05-31. Review status: criteria provided, single submitter. Criteria: ACGS Guidelines, 2013. Collection method: clinical testing. Allele origin: germline. Affected: yes. Study: VKGL Data-share Consensus.

GeneDx
Classification: Benign. Last evaluated: 2015-03-03. Review status: criteria provided, single submitter. Criteria: GeneDx Variant Classification Process June 2021. Collection method: clinical testing. Allele origin: germline. Affected: yes.

Breakthrough Genomics
Classification: Benign. Review status: criteria provided, single submitter. Criteria: ACMG Guidelines, 2015. Collection method: not provided. Allele origin: germline. Inheritance: Autosomal recessive inheritance. Affected: yes.

PreventionGenetics, part of Exact Sciences
Classification: Benign. Review status: criteria provided, single submitter. Criteria: ACMG Guidelines, 2015. Collection method: clinical testing. Allele origin: germline.

Diagnostic Laboratory, Department of Genetics, University Medical Center Groningen
Classification: Benign for Microcephaly 3, primary, autosomal recessive. Review status: no assertion criteria provided. Collection method: clinical testing. Allele origin: germline. Affected: yes. Study: VKGL Data-share Consensus. Not counted in ClinVar's aggregate classification.

GeneReviews
No classification provided. Condition: Microcephaly 3, primary, autosomal recessive. Review status: no classification provided. Collection method: literature only. Allele origin: unknown. Not counted in ClinVar's aggregate classification.

Genetic Services Laboratory, University of Chicago
Classification: Likely benign. Review status: no assertion criteria provided. Collection method: clinical testing. Allele origin: germline. Inheritance: Autosomal recessive inheritance. Not counted in ClinVar's aggregate classification.
Comment: Likely benign based on allele frequency in 1000 Genomes Project or ESP global frequency and its presence in a patient with a rare or unrelated disease phenotype. NOT Sanger confirmed

Joint Genome Diagnostic Labs from Nijmegen and Maastricht, Radboudumc and MUMC+
Classification: Benign. Review status: no assertion criteria provided. Collection method: clinical testing. Allele origin: germline. Affected: yes. Study: VKGL Data-share Consensus. Not counted in ClinVar's aggregate classification.

Literature cited by the submitters: PubMed 20301772 (cited by GeneReviews); NCBI Bookshelf NBK9587 (cited by GeneReviews).

NM_018249.6(CDK5RAP2):c.4618G>C (p.Val1540Leu)

Gene: CDK5RAP2 (CDK5 regulatory subunit associated protein 2; minus strand). Cytogenetic location: 9q33.2.
Variant type: single nucleotide variant.
Coding change: c.4618G>C on transcript NM_018249.6 (MANE Select); coding-DNA position 4618, G replaced by C.
Protein change: p.Val1540Leu; replaces valine 1540 with leucine.
Molecular consequence: missense variant. On other transcripts: non-coding transcript variant (5).
Genome position (GRCh38, 1-based): chr9:120,408,455, C>G on the plus strand (G>C on the coding strand, the complement: CDK5RAP2 is on the minus strand). VCF-style: chr9-120408455-C-G. GRCh37 (hg19) VCF-style: chr9-123170733-C-G.
Other names: c.4618G>C, p.Val1540Leu (NM_001011649.3); c.3928G>C, p.Val1310Leu (NM_001272039.2); short protein forms V1540L, V1310L.
Identifiers: ClinVar variation 21651 (VCV000021651.26), dbSNP rs4837768, ClinGen allele CA171583.